The following is an entry in ClinVar:

ClinVar aggregate classification (germline): Uncertain significance (1 of 4 stars; one submission).

Conditions:
Factor H deficiency (CFHD). Also called: COMPLEMENT FACTOR H DEFICIENCY; CFH DEFICIENCY. Identifiers: Orphanet 200421, MedGen C0398777, MONDO:0012350, OMIM 609814.

Submission:

Genomenon, Inc
Classification: Uncertain significance for Factor H deficiency. Last evaluated: 2025-10-02. Review status: criteria provided, single submitter. Criteria: Genomenon Sequence Variant Interpretation Standards - Updated. Collection method: curation. Allele origin: germline. Affected: yes.
Comment: CFH p.Cys959Ser (c.2876G>C) is a missense variant that changes the amino acid at residue 959 from Cysteine to Serine. This variant has been observed in at least one proband affected with complement factor H deficiency (PMID:28509298). It is absent or not present at a significant frequency in gnomAD. In silico models agree that this variant is possibly or probably damaging. In conclusion, we classify CFH p.Cys959Ser (c.2876G>C) as a variant of uncertain significance.

Literature cited by the submitters: PubMed 28509298.

NM_000186.4(CFH):c.2876G>C (p.Cys959Ser)

Gene: CFH (complement factor H; plus strand). Cytogenetic location: 1q31.3.
Variant type: single nucleotide variant.
Coding change: c.2876G>C on transcript NM_000186.4 (MANE Select); coding-DNA position 2876, G replaced by C.
Protein change: p.Cys959Ser; replaces cysteine 959 with serine.
Molecular consequence: missense variant.
Genome position (GRCh38, 1-based): chr1:196,740,712, G>C. VCF-style: chr1-196740712-G-C. GRCh37 (hg19) VCF-style: chr1-196709842-G-C.
Other names: short protein forms C959S.
Identifiers: ClinVar variation 4291517 (VCV004291517.1).